The following is an entry in ClinVar:

NM_004385.5(VCAN):c.7843G>A (p.Asp2615Asn)

Genes: VCAN (versican; plus strand), VCAN-AS1 (VCAN antisense RNA 1; minus strand). Cytogenetic location: 5q14.3.
Variant type: single nucleotide variant.
Coding change: c.7843G>A on transcript NM_004385.5 (MANE Select); coding-DNA position 7843, G replaced by A.
Protein change: p.Asp2615Asn; replaces aspartic acid 2615 with asparagine.
Molecular consequence: missense variant. On other transcripts: intron variant (2).
Genome position (GRCh38, 1-based): chr5:83,540,846, G>A. VCF-style: chr5-83540846-G-A. GRCh37 (hg19) VCF-style: chr5-82836665-G-A.
Other names: c.4882G>A, p.Asp1628Asn (NM_001164097.2); c.4004-4691G>A (NM_001164098.2); c.1043-4691G>A (NM_001126336.3); short protein forms D1628N, D2615N.
Identifiers: ClinVar variation 1000733 (VCV001000733.8), dbSNP rs755439783, ClinGen allele CA3333697.

ClinVar aggregate classification (germline): Uncertain significance (1 of 4 stars; one submission).

Allele frequency attached by ClinVar (database versions not stated): ExAC 0.00001; gnomAD exomes 0.00002 and 0.00004; gnomAD 0.00003 and 0.00004; TOPMed 0.00004.
gnomAD v4.1: 16 of 1,613,976 alleles (0.00099%); highest among the groups gnomAD compares: African/African-American, 0.016%; no homozygotes.

Submission:

Labcorp Genetics (formerly Invitae), Labcorp
Classification: Uncertain significance. Last evaluated: 2026-01-12. Review status: criteria provided, single submitter. Criteria: Invitae Variant Classification Sherloc (09022015). Collection method: clinical testing. Allele origin: germline.
Comment: This sequence change replaces aspartic acid, which is acidic and polar, with asparagine, which is neutral and polar, at codon 2615 of the VCAN protein (p.Asp2615Asn). This variant is present in population databases (rs755439783, gnomAD 0.03%). This variant has not been reported in the literature in individuals affected with VCAN-related conditions. ClinVar contains an entry for this variant (Variation ID: 1000733). An algorithm developed to predict the effect of missense changes on protein structure and function (PolyPhen-2) suggests that this variant is likely to be tolerated. In summary, the available evidence is currently insufficient to determine the role of this variant in disease. Therefore, it has been classified as a Variant of Uncertain Significance.